The following is an entry in ClinVar:

ClinVar aggregate classification (germline): Uncertain significance (1 of 4 stars; one submission).

Conditions:
Cardiovascular phenotype. Identifiers: MedGen CN230736.

Submission:

Ambry Genetics
Classification: Uncertain significance for Cardiovascular phenotype. Last evaluated: 2022-10-21. Review status: criteria provided, single submitter. Criteria: Ambry Variant Classification Scheme 2023. Collection method: clinical testing. Allele origin: germline.
Comment: The p.T1152M variant (also known as c.3455C>T), located in coding exon 2 of the ZNF469 gene, results from a C to T substitution at nucleotide position 3455. The threonine at codon 1152 is replaced by methionine, an amino acid with similar properties. This amino acid position is conserved. In addition, this alteration is predicted to be tolerated by in silico analysis. Since supporting evidence is limited at this time, the clinical significance of this alteration remains unclear.

NM_001367624.2(ZNF469):c.3539C>T (p.Thr1180Met)

Gene: ZNF469 (zinc finger protein 469; plus strand). Cytogenetic location: 16q24.2.
Variant type: single nucleotide variant.
Coding change: c.3539C>T on transcript NM_001367624.2 (MANE Select); coding-DNA position 3539, C replaced by T.
Protein change: p.Thr1180Met; replaces threonine 1180 with methionine.
Molecular consequence: missense variant.
Genome position (GRCh38, 1-based): chr16:88,431,009, C>T. VCF-style: chr16-88431009-C-T. GRCh37 (hg19) VCF-style: chr16-88497417-C-T.
Other names: NM_001127464.1:c.3455C>T; short protein forms T1180M.
Identifiers: ClinVar variation 1731588 (VCV001731588.2), dbSNP rs2507583825, ClinGen allele CA397084963.